The following is an entry in ClinVar:

ClinVar aggregate classification (germline): Likely benign (1 of 4 stars; one submission).

Conditions:
PLXNA4-related disorder. Also called: PLXNA4-related condition.

Allele frequency attached by ClinVar (database versions not stated): gnomAD exomes below 0.00001.
gnomAD v4.1: 2 of 1,613,380 alleles (0.00012%); highest among the groups gnomAD compares: Non-Finnish European, 0.000085%; no homozygotes.

Submission:

PreventionGenetics, part of Exact Sciences
Classification: Likely benign for PLXNA4-related condition. Last evaluated: 2025-03-03. Review status: criteria provided, single submitter. Criteria: ACMG Guidelines, 2015. Collection method: clinical testing. Allele origin: germline.
Comment: This variant is classified as likely benign based on ACMG/AMP sequence variant interpretation guidelines (Richards et al. 2015 PMID: 25741868, with internal and published modifications).

NM_020911.2(PLXNA4):c.1998G>A (p.Val666=)

Gene: PLXNA4 (plexin A4; minus strand). Cytogenetic location: 7q32.3.
Variant type: single nucleotide variant.
Coding change: c.1998G>A on transcript NM_020911.2 (MANE Select); coding-DNA position 1998, G replaced by A.
Protein change: p.Val666=; no amino-acid change (valine 666 retained).
Molecular consequence: synonymous variant.
Genome position (GRCh38, 1-based): chr7:132,223,626, C>T on the plus strand (G>A on the coding strand, the complement: PLXNA4 is on the minus strand). VCF-style: chr7-132223626-C-T. GRCh37 (hg19) VCF-style: chr7-131908385-C-T.
Other names: c.1998G>A, p.Val666= (NM_001393897.1).
Identifiers: ClinVar variation 2628899 (VCV002628899.2), dbSNP rs969879267, ClinGen allele CA166950094.